The following is an entry in ClinVar:

NM_000843.4(GRM6):c.3G>T (p.Met1Ile)

Gene: GRM6 (glutamate metabotropic receptor 6; minus strand). Cytogenetic location: 5q35.3.
Variant type: single nucleotide variant.
Coding change: c.3G>T on transcript NM_000843.4 (MANE Select); coding-DNA position 3, G replaced by T.
Protein change: p.Met1Ile; changes the start codon (methionine 1).
Molecular consequence: missense variant, initiator codon variant.
Genome position (GRCh38, 1-based): chr5:178,994,942, C>A on the plus strand (G>T on the coding strand, the complement: GRM6 is on the minus strand). VCF-style: chr5-178994942-C-A. GRCh37 (hg19) VCF-style: chr5-178421943-C-A.
Other names: short protein forms M1I.
Identifiers: ClinVar variation 1409749 (VCV001409749.7), dbSNP rs942517034, ClinGen allele CA133035523.

ClinVar aggregate classification (germline): Pathogenic/Likely pathogenic. Review status: criteria provided, multiple submitters, no conflicts (2 of 4 stars). 2 submissions from 2 submitters: Pathogenic (1); Likely pathogenic (1). Last evaluated 2025-05-05.

Conditions:
GRM6-related disorders.

Allele frequency attached by ClinVar (database versions not stated): gnomAD exomes 0.00001; gnomAD 0.00003 and 0.00004; TOPMed 0.00005.

Submissions (2):

Labcorp Genetics (formerly Invitae), Labcorp
Classification: Pathogenic. Last evaluated: 2025-05-05. Review status: criteria provided, single submitter. Criteria: Invitae Variant Classification Sherloc (09022015). Collection method: clinical testing. Allele origin: germline.
Comment: This sequence change affects the initiator codon of the GRM6 mRNA. This change may impact translation initiation or efficiency. The next in-frame methionine is located at codon 72. This variant is present in population databases (no rsID available, gnomAD 0.007%). Disruption of the initiator codon has been observed in individual(s) with clinical features of congenital stationary night blindness (PMID: 25307992). ClinVar contains an entry for this variant (Variation ID: 1409749). This variant disrupts a region of the GRM6 protein in which other variant(s) (p.Gly58Arg) have been determined to be pathogenic (PMID: 16249515, 22959359). This suggests that this is a clinically significant region of the protein, and that variants that disrupt it are likely to be disease-causing. For these reasons, this variant has been classified as Pathogenic.

Blueprint Genetics
Classification: Likely pathogenic for GRM6-related disorders. Last evaluated: 2024-03-21. Review status: criteria provided, single submitter. Criteria: ACMG Guidelines, 2015. Collection method: clinical testing. Allele origin: germline. Affected: yes. Observed: 5 variant alleles.

Literature cited by the submitters: PubMed 25307992 (cited by Labcorp Genetics (formerly Invitae), Labcorp); PubMed 16249515 (cited by Labcorp Genetics (formerly Invitae), Labcorp); PubMed 22959359 (cited by Labcorp Genetics (formerly Invitae), Labcorp).